The following is an entry in ClinVar:

ClinVar aggregate classification (germline): Benign (1 of 4 stars; one submission).

Allele frequency attached by ClinVar (database versions not stated): gnomAD 0.37564 and 0.37734; TOPMed 0.37706; 1000 Genomes Project 30x 0.38164; 1000 Genomes Project 0.38179.

Submission:

GeneDx
Classification: Benign. Last evaluated: 2018-06-14. Review status: criteria provided, single submitter. Criteria: GeneDx Variant Classification (06012015). Collection method: clinical testing. Allele origin: germline. Affected: yes.
Comment: This variant is considered likely benign or benign based on one or more of the following criteria: it is a conservative change, it occurs at a poorly conserved position in the protein, it is predicted to be benign by multiple in silico algorithms, and/or has population frequency not consistent with disease.

NM_001040142.2(SCN2A):c.4309-231del

Gene: SCN2A (sodium voltage-gated channel alpha subunit 2; plus strand). Cytogenetic location: 2q24.3.
Variant type: Deletion.
Coding change: c.4309-231del on transcript NM_001040142.2 (MANE Select); 231 bases into the intron before coding-DNA position 4309, one base deleted (G; older notation c.4309-231delG).
Molecular consequence: intron variant.
Genome position (GRCh38, 1-based): chr2:165,380,361, G deleted. VCF-style (leftmost placement, unchanged base first): chr2-165380360-TG-T. GRCh37 (hg19) VCF-style: chr2-166236870-TG-T.
Other names: c.4309-231del (NM_001040143.2, NM_001371246.1, NM_001371247.1 and 1 more transcripts); c.4309-231delG (NM_021007.2).
Identifiers: ClinVar variation 669332 (VCV000669332.1), dbSNP rs67443324, ClinGen allele CA59746141.